The following is an entry in ClinVar:

NM_014874.4(MFN2):c.1827C>T (p.Ser609=)

Gene: MFN2 (mitofusin 2; plus strand). Cytogenetic location: 1p36.22.
Variant type: single nucleotide variant.
Coding change: c.1827C>T on transcript NM_014874.4 (MANE Select); coding-DNA position 1827, C replaced by T.
Protein change: p.Ser609=; no amino-acid change (serine 609 retained).
Molecular consequence: synonymous variant.
Genome position (GRCh38, 1-based): chr1:12,006,648, C>T. VCF-style: chr1-12006648-C-T. GRCh37 (hg19) VCF-style: chr1-12066705-C-T.
Other names: p.S609S:TCC>TCT; p.Ser609=; c.1827C>T, p.Ser609= (NM_001127660.2).
Identifiers: ClinVar variation 214636 (VCV000214636.71), dbSNP rs138724074, ClinGen allele CA323197.

ClinVar aggregate classification (germline): Benign/Likely benign. Review status: criteria provided, multiple submitters, no conflicts (2 of 4 stars). 12 submissions from 12 submitters: Benign (3); Likely benign (7). 2 of the submissions do not count toward it. Last evaluated 2026-01-14.

Conditions:
Inborn genetic diseases. Identifiers: MedGen C0950123, MeSH D030342.
Charcot-Marie-Tooth disease type 2. Also called: Charcot-Marie-Tooth type 2. Identifiers: Orphanet 64746, MedGen C0270914, MONDO:0018993.
Charcot-Marie-Tooth disease. Also called: Charcot-Marie-Tooth Hereditary Neuropathy; Charcot-Marie-Tooth Neuropathy. Identifiers: Orphanet 166, MedGen C0007959, MONDO:0015626.

Allele frequency attached by ClinVar (database versions not stated): gnomAD 0.00039 and 0.00046; gnomAD exomes 0.00050 and 0.00060; TOPMed 0.00051; ExAC 0.00055; ESP Exome Variant Server 0.00108.
gnomAD v4.1: 828 of 1,614,134 alleles (0.051%); highest among the groups gnomAD compares: Middle Eastern, 0.28%; 1 homozygote.

Submissions (12):

Labcorp Genetics (formerly Invitae), Labcorp
Classification: Benign for Charcot-Marie-Tooth disease type 2. Last evaluated: 2026-01-14. Review status: criteria provided, single submitter. Criteria: Invitae Variant Classification Sherloc (09022015). Collection method: clinical testing. Allele origin: germline.

Women's Health and Genetics/Laboratory Corporation of America, LabCorp
Classification: Likely benign. Last evaluated: 2026-01-09. Review status: criteria provided, single submitter. Criteria: LabCorp Variant Classification Summary - May 2015. Collection method: clinical testing. Allele origin: germline.

CeGaT Center for Human Genetics Tuebingen
Classification: Likely benign. Last evaluated: 2026-01-01. Review status: criteria provided, single submitter. Criteria: CeGaT Center For Human Genetics Tuebingen Variant Classification Criteria Version 2. Collection method: clinical testing. Allele origin: germline. Affected: yes. Observed: 8 variant alleles.
Comment: MFN2: BP4, BP7

Mayo Clinic Laboratories, Mayo Clinic
Classification: Likely benign. Last evaluated: 2024-12-21. Review status: criteria provided, single submitter. Criteria: ACMG Guidelines, 2015. Collection method: clinical testing. Allele origin: germline. Observed: 3 variant alleles.
Comment: BS1, BP4, BP7

Blueprint Genetics
Classification: Likely benign. Last evaluated: 2024-11-25. Review status: criteria provided, single submitter. Criteria: ACMG Guidelines, 2015. Collection method: clinical testing. Allele origin: germline.

ARUP Laboratories, Molecular Genetics and Genomics, ARUP Laboratories
Classification: Likely benign. Last evaluated: 2023-10-20. Review status: criteria provided, single submitter. Criteria: ARUP Molecular Germline Variant Investigation Process 2024. Collection method: clinical testing. Allele origin: germline.

Ambry Genetics
Classification: Likely benign for Inborn genetic diseases. Last evaluated: 2019-07-11. Review status: criteria provided, single submitter. Criteria: Ambry Variant Classification Scheme 2023. Collection method: clinical testing. Allele origin: germline.

Athena Diagnostics
Classification: Benign. Last evaluated: 2019-03-08. Review status: criteria provided, single submitter. Criteria: Athena Diagnostics Criteria. Collection method: clinical testing. Allele origin: germline.

GeneDx
Classification: Benign. Last evaluated: 2014-12-19. Review status: criteria provided, single submitter. Criteria: GeneDx Variant Classification (06012015). Collection method: clinical testing. Allele origin: germline. Affected: yes.
Comment: This variant is considered likely benign or benign based on one or more of the following criteria: it is a conservative change, it occurs at a poorly conserved position in the protein, it is predicted to be benign by multiple in silico algorithms, and/or has population frequency not consistent with disease.

Molecular Genetics Laboratory, London Health Sciences Centre
Classification: Likely benign for Charcot-Marie-Tooth disease. Review status: criteria provided, single submitter. Criteria: ACMG Guidelines, 2015. Collection method: clinical testing. Allele origin: germline. Affected: yes.

Clinical Genetics DNA and cytogenetics Diagnostics Lab, Erasmus MC, Erasmus Medical Center
Classification: Likely benign. Review status: no assertion criteria provided. Collection method: clinical testing. Allele origin: germline. Affected: yes. Study: VKGL Data-share Consensus. Not counted in ClinVar's aggregate classification.

Clinical Genetics, Academic Medical Center
Classification: Likely benign. Review status: no assertion criteria provided. Collection method: clinical testing. Allele origin: germline. Affected: yes. Study: VKGL Data-share Consensus. Not counted in ClinVar's aggregate classification.